The following is an entry in ClinVar:

ClinVar aggregate classification (germline): Uncertain significance (1 of 4 stars; one submission).

Allele frequency attached by ClinVar (database versions not stated): TOPMed below 0.00001.

Submission:

CeGaT Center for Human Genetics Tuebingen
Classification: Uncertain significance. Last evaluated: 2022-09-01. Review status: criteria provided, single submitter. Criteria: CeGaT Center For Human Genetics Tuebingen Variant Classification Criteria Version 2. Collection method: clinical testing. Allele origin: germline. Affected: yes. Observed: 1 variant allele.
Comment: SETD1B: PM2, PP2, BP4

NM_001353345.2(SETD1B):c.1669C>T (p.Pro557Ser)

Gene: SETD1B (SET domain containing 1B, histone lysine methyltransferase; plus strand). Cytogenetic location: 12q24.31.
Variant type: single nucleotide variant.
Coding change: c.1669C>T on transcript NM_001353345.2 (MANE Select); coding-DNA position 1669, C replaced by T.
Protein change: p.Pro557Ser; replaces proline 557 with serine.
Molecular consequence: missense variant.
Genome position (GRCh38, 1-based): chr12:121,810,614, C>T. VCF-style: chr12-121810614-C-T. GRCh37 (hg19) VCF-style: chr12-122248520-C-T.
Other names: short protein forms P557S.
Identifiers: ClinVar variation 2643437 (VCV002643437.24), dbSNP rs1875984956, ClinGen allele CA386992402.